The following is an entry in ClinVar:

ClinVar aggregate classification (germline): Benign/Likely benign. Review status: criteria provided, multiple submitters, no conflicts (2 of 4 stars). 6 submissions from 6 submitters: Benign (3); Likely benign (3). Last evaluated 2026-05-11.

Conditions:
Iodotyrosyl coupling defect (TDH3). Also called: HYPOTHYROIDISM, CONGENITAL, DUE TO DYSHORMONOGENESIS, 3; THYROID HORMONOGENESIS, GENETIC DEFECT IN, 3. Identifiers: Orphanet 95716, MedGen C0342194, MONDO:0010135, OMIM 274700.

Allele frequency attached by ClinVar (database versions not stated): 1000 Genomes Project 30x 0.02686; TOPMed 0.03782; gnomAD 0.04126 and 0.04158; gnomAD exomes 0.04512 and 0.05469; ESP Exome Variant Server 0.04552; ExAC 0.04595; 1000 Genomes Project 0.02616.
gnomAD v4.1: 86,084 of 1,614,108 alleles (5.3%); highest among the groups gnomAD compares: Middle Eastern, 8.3%; 2,617 homozygotes.

Submissions (17):

Women's Health and Genetics/Laboratory Corporation of America, LabCorp
Classification: Likely benign. Last evaluated: 2026-05-11. Review status: criteria provided, single submitter. Criteria: LabCorp Variant Classification Summary - May 2015. Collection method: clinical testing. Allele origin: germline.

Labcorp Genetics (formerly Invitae), Labcorp
Classification: Benign. Last evaluated: 2026-02-04. Review status: criteria provided, single submitter. Criteria: Invitae Variant Classification Sherloc (09022015). Collection method: clinical testing. Allele origin: germline.

GeneDx
Classification: Benign. Last evaluated: 2021-06-09. Review status: criteria provided, single submitter. Criteria: GeneDx Variant Classification Process June 2021. Collection method: clinical testing. Allele origin: germline. Affected: yes.

Illumina Laboratory Services, Illumina
Classification: Likely benign for Iodotyrosyl coupling defect. Last evaluated: 2018-01-12. Review status: criteria provided, single submitter. Criteria: ICSL Variant Classification Criteria 13 December 2019. Collection method: clinical testing. Allele origin: germline.
Comment: This variant was observed in the ICSL laboratory as part of a predisposition screen in an ostensibly healthy population. It had not been previously curated by ICSL or reported in the Human Gene Mutation Database (HGMD: prior to June 1st, 2018), and was therefore a candidate for classification through an automated scoring system. Utilizing variant allele frequency, disease prevalence and penetrance estimates, and inheritance mode, an automated score was calculated to assess if this variant is too frequent to cause the disease. Based on the score and internal cut-off values, a variant classified as likely benign is not then subjected to further curation. The score for this variant resulted in a classification of likely benign for this disease.

Breakthrough Genomics
Classification: Likely benign. Review status: criteria provided, single submitter. Criteria: ACMG Guidelines, 2015. Collection method: not provided. Allele origin: germline. Inheritance: Autosomal recessive inheritance. Affected: yes.

PreventionGenetics, part of Exact Sciences
Classification: Benign. Review status: criteria provided, single submitter. Criteria: ACMG Guidelines, 2015. Collection method: clinical testing. Allele origin: germline.

Dr. Peter K. Rogan Lab, Western University
No classification provided (evidence only). Condition: Acute myeloid leukemia. Review status: no classification provided. Collection method: in vitro. Allele origin: not applicable. Functional consequence: retained intron. Not counted in ClinVar's aggregate classification.

Dr. Peter K. Rogan Lab, Western University
No classification provided (evidence only). Condition: Acute myeloid leukemia. Review status: no classification provided. Collection method: in vitro. Allele origin: not applicable. Functional consequence: retained intron. Not counted in ClinVar's aggregate classification.

Dr. Peter K. Rogan Lab, Western University
No classification provided (evidence only). Condition: Chronic lymphocytic leukemia/small lymphocytic lymphoma. Review status: no classification provided. Collection method: in vitro. Allele origin: not applicable. Functional consequence: retained intron. Not counted in ClinVar's aggregate classification.

Dr. Peter K. Rogan Lab, Western University
No classification provided (evidence only). Condition: Chronic lymphocytic leukemia/small lymphocytic lymphoma. Review status: no classification provided. Collection method: in vitro. Allele origin: not applicable. Functional consequence: retained intron. Not counted in ClinVar's aggregate classification.

Dr. Peter K. Rogan Lab, Western University
No classification provided (evidence only). Condition: Chronic lymphocytic leukemia/small lymphocytic lymphoma. Review status: no classification provided. Collection method: in vitro. Allele origin: not applicable. Functional consequence: retained intron. Not counted in ClinVar's aggregate classification.

Dr. Peter K. Rogan Lab, Western University
No classification provided (evidence only). Condition: Chronic lymphocytic leukemia/small lymphocytic lymphoma. Review status: no classification provided. Collection method: in vitro. Allele origin: not applicable. Functional consequence: skipped exon. Not counted in ClinVar's aggregate classification.

Dr. Peter K. Rogan Lab, Western University
No classification provided (evidence only). Condition: Nonpapillary renal cell carcinoma. Review status: no classification provided. Collection method: in vitro. Allele origin: not applicable. Functional consequence: retained intron. Not counted in ClinVar's aggregate classification.

Dr. Peter K. Rogan Lab, Western University
No classification provided (evidence only). Condition: Nonpapillary renal cell carcinoma. Review status: no classification provided. Collection method: in vitro. Allele origin: not applicable. Functional consequence: retained intron. Not counted in ClinVar's aggregate classification.

Dr. Peter K. Rogan Lab, Western University
No classification provided (evidence only). Condition: Familial pancreatic carcinoma. Review status: no classification provided. Collection method: in vitro. Allele origin: not applicable. Functional consequence: retained intron. Not counted in ClinVar's aggregate classification.

Dr. Peter K. Rogan Lab, Western University
No classification provided (evidence only). Condition: Ovarian cancer. Review status: no classification provided. Collection method: in vitro. Allele origin: not applicable. Functional consequence: retained intron. Not counted in ClinVar's aggregate classification.

Dr. Peter K. Rogan Lab, Western University
No classification provided (evidence only). Condition: Ovarian cancer. Review status: no classification provided. Collection method: in vitro. Allele origin: not applicable. Functional consequence: retained intron. Not counted in ClinVar's aggregate classification.

NM_003235.5(TG):c.6395C>T (p.Ser2132Leu)

Gene: TG (thyroglobulin; plus strand). Cytogenetic location: 8q24.22.
Variant type: single nucleotide variant.
Coding change: c.6395C>T on transcript NM_003235.5 (MANE Select); coding-DNA position 6395, C replaced by T.
Protein change: p.Ser2132Leu; replaces serine 2132 with leucine.
Molecular consequence: missense variant.
Genome position (GRCh38, 1-based): chr8:133,012,033, C>T. VCF-style: chr8-133012033-C-T. GRCh37 (hg19) VCF-style: chr8-134024278-C-T.
Other names: short protein forms S2132L.
Identifiers: ClinVar variation 258999 (VCV000258999.15), dbSNP rs61741457, ClinGen allele CA4884889.